The following is an entry in ClinVar:

ClinVar aggregate classification (germline): Likely pathogenic. Review status: criteria provided, multiple submitters, no conflicts (2 of 4 stars). 2 submissions from 2 submitters: Likely pathogenic (2). Last evaluated 2026-06-18.

Conditions:
Hereditary cancer-predisposing syndrome. Also called: Hereditary Cancer Syndrome; Hereditary neoplastic syndrome; Neoplastic Syndromes, Hereditary; Tumor predisposition. Identifiers: Orphanet 140162, MedGen C0027672, MeSH D009386, MONDO:0015356.
Fanconi anemia complementation group O. Also called: RAD51C-Related Fanconi Anemia. Identifiers: Orphanet 84, MedGen C3150653, MONDO:0013248, OMIM 613390.

Submissions (2):

Ambry Genetics
Classification: Likely pathogenic for Hereditary cancer-predisposing syndrome. Last evaluated: 2026-06-18. Review status: criteria provided, single submitter. Criteria: Ambry Variant Classification Scheme 2023. Collection method: clinical testing. Allele origin: germline.
Comment: The c.946delC variant, located in coding exon 7 of the RAD51C gene, results from a deletion of one nucleotide at nucleotide position 946, causing a translational frameshift with a predicted alternate stop codon (p.H316Ifs*48). This variant occurs at the 3' terminus of theRAD51C gene, is not expected to trigger nonsense-mediated mRNAdecay, and impacts the last 16% of the protein. However, premature stop codons are typically deleterious in nature and the impacted region is critical for protein function and a significant portion of the protein is affected (Ambry internal data). This variant is considered to be rare based on population cohorts in the Genome Aggregation Database (gnomAD). Based on the majority of available evidence to date, this variant is likely to be pathogenic.

Labcorp Genetics (formerly Invitae), Labcorp
Classification: Likely pathogenic for Fanconi anemia complementation group O. Last evaluated: 2023-09-27. Review status: criteria provided, single submitter. Criteria: Invitae Variant Classification Sherloc (09022015). Collection method: clinical testing. Allele origin: germline.
Comment: This variant has not been reported in the literature in individuals affected with RAD51C-related conditions. This variant is not present in population databases (gnomAD no frequency). This sequence change creates a premature translational stop signal (p.His316Ilefs*48) in the RAD51C gene. While this is not anticipated to result in nonsense mediated decay, it is expected to disrupt the last 61 amino acid(s) of the RAD51C protein. This variant disrupts the nuclear localization signal (NLS) of the RAD51C protein, which is important for proper localization and function of the RAD51C protein (PMID:12966089). While functional studies have not been performed to directly test the effect of this variant on RAD51C protein function, this suggests that disruption of this region of the protein is causative of disease. In summary, the currently available evidence indicates that the variant is pathogenic, but additional data are needed to prove that conclusively. Therefore, this variant has been classified as Likely Pathogenic.

Literature cited by the submitters: PubMed 12966089 (cited by Labcorp Genetics (formerly Invitae), Labcorp).

NM_058216.3(RAD51C):c.946del (p.His316fs)

Gene: RAD51C (RAD51 paralog C; plus strand). Cytogenetic location: 17q22.
Variant type: Deletion.
Coding change: c.946del on transcript NM_058216.3 (MANE Select); coding-DNA position 946, one base deleted (C; older notation c.946delC).
Protein change: p.His316fs; shifts the reading frame from histidine 316.
Molecular consequence: frameshift variant. On other transcripts: non-coding transcript variant (1).
Genome position (GRCh38, 1-based): chr17:58,724,081, C deleted. VCF-style (leftmost placement, unchanged base first): chr17-58724080-TC-T. GRCh37 (hg19) VCF-style: chr17-56801441-TC-T.
Other names: c.*374delC (NM_058217.1); short protein forms H316fs.
Identifiers: ClinVar variation 2763860 (VCV002763860.5), dbSNP rs2509344423, ClinGen allele CA2697560193.